The following is an entry in ClinVar:

ClinVar aggregate classification (germline): Benign/Likely benign. Review status: criteria provided, multiple submitters, no conflicts (2 of 4 stars). 2 submissions from 2 submitters: Benign (1); Likely benign (1). Last evaluated 2024-04-04.

Conditions:
Hereditary cancer-predisposing syndrome. Also called: Hereditary neoplastic syndrome; Hereditary Cancer Syndrome; Neoplastic Syndromes, Hereditary; Tumor predisposition. Identifiers: Orphanet 140162, MedGen C0027672, MeSH D009386, MONDO:0015356.
Familial adenomatous polyposis 1 (FAP1). Also called: POLYPOSIS, ADENOMATOUS INTESTINAL; FAMILIAL ADENOMATOUS POLYPOSIS 1, ATTENUATED. Identifiers: MedGen C2713442, MONDO:0021056, OMIM 175100. Disease mechanism: loss of function.

Submissions (2):

Myriad Genetics, Inc.
Classification: Benign for Familial adenomatous polyposis 1. Last evaluated: 2024-04-04. Review status: criteria provided, single submitter. Criteria: Myriad Autosomal Dominant, Autosomal Recessive and X-Linked Classification Criteria (2023). Collection method: clinical testing. Allele origin: unknown.
Comment: This variant is considered benign. This variant is a silent/synonymous amino acid change and it is not expected to impact splicing.

Ambry Genetics
Classification: Likely benign for Hereditary cancer-predisposing syndrome. Last evaluated: 2023-04-16. Review status: criteria provided, single submitter. Criteria: Ambry Variant Classification Scheme 2023. Collection method: clinical testing. Allele origin: germline.

NM_000038.6(APC):c.6468A>G (p.Glu2156=)

Gene: APC (APC regulator of Wnt signaling pathway; plus strand). Cytogenetic location: 5q22.2.
Variant type: single nucleotide variant.
Coding change: c.6468A>G on transcript NM_000038.6 (MANE Select); coding-DNA position 6468, A replaced by G.
Protein change: p.Glu2156=; no amino-acid change (glutamic acid 2156 retained).
Molecular consequence: synonymous variant. On other transcripts: non-coding transcript variant (2).
Genome position (GRCh38, 1-based): chr5:112,842,062, A>G. VCF-style: chr5-112842062-A-G. GRCh37 (hg19) VCF-style: chr5-112177759-A-G.
Other names: c.5316A>G, p.Glu1772= (NM_001407471.1, NM_001407472.1); c.6468A>G, p.Glu2156= (NM_001127510.3, NM_001354895.2, NM_001407450.1); c.6414A>G, p.Glu2138= (NM_001127511.3); c.6522A>G, p.Glu2174= (NM_001354896.2, NM_001407447.1, NM_001407448.1 and 1 more transcripts); c.6498A>G, p.Glu2166= (NM_001354897.2); c.6393A>G, p.Glu2131= (NM_001354898.2); c.6384A>G, p.Glu2128= (NM_001354899.2); c.6345A>G, p.Glu2115= (NM_001354900.2); and 11 more.
Identifiers: ClinVar variation 2566970 (VCV002566970.3), dbSNP rs2149965498, ClinGen allele CA446210549.